The following is an entry in ClinVar:

ClinVar aggregate classification (germline): Uncertain significance. Review status: criteria provided, multiple submitters, no conflicts (2 of 4 stars). 3 submissions from 3 submitters: Uncertain significance (3). Last evaluated 2025-11-25.

Conditions:
Familial cancer of breast. Also called: BREAST CANCER, FAMILIAL; hereditary breast carcinoma; Hereditary breast cancer. Identifiers: Orphanet 227535, MedGen C0346153, MONDO:0016419, OMIM 114480. Disease mechanism: loss of function.
Hereditary cancer-predisposing syndrome. Also called: Neoplastic Syndromes, Hereditary; Tumor predisposition; Hereditary Cancer Syndrome; Hereditary neoplastic syndrome. Identifiers: Orphanet 140162, MedGen C0027672, MeSH D009386, MONDO:0015356.

Submissions (3):

Ambry Genetics
Classification: Uncertain significance for Hereditary cancer-predisposing syndrome. Last evaluated: 2025-11-25. Review status: criteria provided, single submitter. Criteria: Ambry Variant Classification Scheme 2023. Collection method: clinical testing. Allele origin: germline.
Comment: The p.K534E variant (also known as c.1600A>G), located in coding exon 14 of the CHEK2 gene, results from an A to G substitution at nucleotide position 1600. The lysine at codon 534 is replaced by glutamic acid, an amino acid with similar properties. This amino acid position is well conserved in available vertebrate species. In addition, this alteration is predicted to be tolerated by in silico analysis. Since supporting evidence is limited at this time, the clinical significance of this alteration remains unclear.

Color Diagnostics, LLC DBA Color Health
Classification: Uncertain significance for Hereditary cancer-predisposing syndrome. Last evaluated: 2024-03-06. Review status: criteria provided, single submitter. Criteria: ACMG Guidelines, 2015. Collection method: clinical testing. Allele origin: germline.
Comment: This missense variant replaces lysine with glutamic acid at codon 534 of the CHEK2 protein. Computational prediction suggests that this variant may not impact protein structure and function (internally defined REVEL score threshold <= 0.5, PMID: 27666373). To our knowledge, functional studies have not been reported for this variant. This variant has not been reported in individuals affected with hereditary cancer in the literature. This variant has not been identified in the general population by the Genome Aggregation Database (gnomAD). The available evidence is insufficient to determine the role of this variant in disease conclusively. Therefore, this variant is classified as a Variant of Uncertain Significance.

Labcorp Genetics (formerly Invitae), Labcorp
Classification: Uncertain significance for Familial cancer of breast. Last evaluated: 2023-03-28. Review status: criteria provided, single submitter. Criteria: Invitae Variant Classification Sherloc (09022015). Collection method: clinical testing. Allele origin: germline.
Comment: In summary, the available evidence is currently insufficient to determine the role of this variant in disease. Therefore, it has been classified as a Variant of Uncertain Significance. An algorithm developed to predict the effect of missense changes on protein structure and function (PolyPhen-2) suggests that this variant is likely to be tolerated. ClinVar contains an entry for this variant (Variation ID: 460813). This variant has not been reported in the literature in individuals affected with CHEK2-related conditions. This variant is not present in population databases (gnomAD no frequency). This sequence change replaces lysine, which is basic and polar, with glutamic acid, which is acidic and polar, at codon 534 of the CHEK2 protein (p.Lys534Glu).

NM_007194.4(CHEK2):c.1600A>G (p.Lys534Glu)

Gene: CHEK2 (checkpoint kinase 2; minus strand). Cytogenetic location: 22q12.1.
Variant type: single nucleotide variant.
Coding change: c.1600A>G on transcript NM_007194.4 (MANE Select); coding-DNA position 1600, A replaced by G.
Protein change: p.Lys534Glu; replaces lysine 534 with glutamic acid.
Molecular consequence: missense variant.
Genome position (GRCh38, 1-based): chr22:28,687,929, T>C on the plus strand (A>G on the coding strand, the complement: CHEK2 is on the minus strand). VCF-style: chr22-28687929-T-C. GRCh37 (hg19) VCF-style: chr22-29083917-T-C.
Other names: c.1729A>G, p.Lys577Glu (NM_001005735.3); c.937A>G, p.Lys313Glu (NM_001257387.3); c.1399A>G, p.Lys467Glu (NM_001349956.3); c.1513A>G, p.Lys505Glu (NM_145862.3); short protein forms K534E, K505E, K313E, K467E, K577E.
Identifiers: ClinVar variation 460813 (VCV000460813.12), dbSNP rs1555911558, ClinGen allele CA411091086.
Genomic context (GRCh38, chr22:28,687,929, plus strand): 5'-CATTTCTTTCGTGTTCAAACCACGGAGTTCACAACACAGCAGCACACACAGCTGGGCGCT[T>C]TGTGGTCTCGGCACCCTCGGCTTCCCCTTCACGGGGCCGCTTTCGACTAGTAGAAGGCTG-3'
Protein context (NP_009125.1, residues 524-543): EGEAEGAETT[Lys534Glu]RPAVCAAVL